The following is an entry in ClinVar:

NM_001162501.2(TNRC6B):c.2554C>T (p.Arg852Ter)

Gene: TNRC6B (trinucleotide repeat containing adaptor 6B; plus strand). Cytogenetic location: 22q13.1.
Variant type: single nucleotide variant.
Coding change: c.2554C>T on transcript NM_001162501.2 (MANE Select); coding-DNA position 2554, C replaced by T.
Protein change: p.Arg852Ter; replaces arginine 852 with a stop codon.
Molecular consequence: nonsense. On other transcripts: intron variant (1).
Genome position (GRCh38, 1-based): chr22:40,266,784, C>T. VCF-style: chr22-40266784-C-T. GRCh37 (hg19) VCF-style: chr22-40662788-C-T.
Other names: c.2554C>T, p.Arg852Ter (NM_015088.3); c.566-3338C>T (NM_001024843.2); short protein forms R852*.
Identifiers: ClinVar variation 3344575 (VCV003344575.1).

ClinVar aggregate classification (germline): Likely pathogenic (0 of 4 stars; one submission).

Conditions:
TNRC6B-related disorder. Also called: TNRC6B-related condition.

gnomAD v4.1: 3 of 1,613,336 alleles (0.00019%); highest among the groups gnomAD compares: Non-Finnish European, 0.00017%; no homozygotes.

Submission:

PreventionGenetics, part of Exact Sciences
Classification: Likely pathogenic for TNRC6B-related condition. Last evaluated: 2024-05-16. Review status: no assertion criteria provided. Collection method: clinical testing. Allele origin: germline.
Comment: The TNRC6B c.2554C>T variant is predicted to result in premature protein termination (p.Arg852*). To our knowledge, this variant has not been reported in the literature or in a large population database, indicating this variant is rare. Nonsense variants in TNRC6B are expected to be pathogenic. This variant is interpreted as likely pathogenic.